The following is an entry in ClinVar:

ClinVar aggregate classification (germline): Uncertain significance. Review status: criteria provided, multiple submitters, no conflicts (2 of 4 stars). 2 submissions from 2 submitters: Uncertain significance (2). Last evaluated 2022-04-18.

Conditions:
Combined oxidative phosphorylation defect type 17. Also called: Combined oxidative phosphorylation deficiency 17. Identifiers: Orphanet 369913, MedGen C3809526, MONDO:0014190, OMIM 615440.

Allele frequency attached by ClinVar (database versions not stated): ExAC 0.00001; TOPMed 0.00001.
gnomAD v4.1: 10 of 1,614,166 alleles (0.00062%); highest among the groups gnomAD compares: Admixed American, 0.017%; no homozygotes.

Submissions (2):

Labcorp Genetics (formerly Invitae), Labcorp
Classification: Uncertain significance for Combined oxidative phosphorylation defect type 17. Last evaluated: 2022-04-18. Review status: criteria provided, single submitter. Criteria: Invitae Variant Classification Sherloc (09022015). Collection method: clinical testing. Allele origin: germline.
Comment: This sequence change replaces threonine, which is neutral and polar, with asparagine, which is neutral and polar, at codon 298 of the ELAC2 protein (p.Thr298Asn). This variant is present in population databases (rs775103906, gnomAD 0.03%). This variant has not been reported in the literature in individuals affected with ELAC2-related conditions. Algorithms developed to predict the effect of missense changes on protein structure and function (SIFT, PolyPhen-2, Align-GVGD) all suggest that this variant is likely to be tolerated. Algorithms developed to predict the effect of sequence changes on RNA splicing suggest that this variant may disrupt the consensus splice site. In summary, the available evidence is currently insufficient to determine the role of this variant in disease. Therefore, it has been classified as a Variant of Uncertain Significance.

Baylor Genetics
Classification: Uncertain significance for Combined oxidative phosphorylation defect type 17. Last evaluated: 2021-01-08. Review status: criteria provided, single submitter. Criteria: ACMG Guidelines, 2015. Collection method: clinical testing. Allele origin: unknown.

NM_018127.7(ELAC2):c.893C>A (p.Thr298Asn)

Gene: ELAC2 (elaC ribonuclease Z 2; minus strand). Cytogenetic location: 17p12.
Variant type: single nucleotide variant.
Coding change: c.893C>A on transcript NM_018127.7 (MANE Select); coding-DNA position 893, C replaced by A.
Protein change: p.Thr298Asn; replaces threonine 298 with asparagine.
Molecular consequence: missense variant.
Genome position (GRCh38, 1-based): chr17:13,005,079, G>T on the plus strand (C>A on the coding strand, the complement: ELAC2 is on the minus strand). VCF-style: chr17-13005079-G-T. GRCh37 (hg19) VCF-style: chr17-12908396-G-T.
Other names: c.773C>A, p.Thr258Asn (NM_001165962.2); c.893C>A, p.Thr298Asn (NM_173717.2); c.893C>A (NM_018127.6); short protein forms T258N, T298N.
Identifiers: ClinVar variation 2186182 (VCV002186182.2), dbSNP rs775103906, ClinGen allele CA8401438.